The following is an entry in ClinVar:

NM_001009944.3(PKD1):c.5116G>T (p.Ala1706Ser)

Gene: PKD1 (polycystin 1, transient receptor potential channel interacting; minus strand). Cytogenetic location: 16p13.3.
Variant type: single nucleotide variant.
Coding change: c.5116G>T on transcript NM_001009944.3 (MANE Select); coding-DNA position 5116, G replaced by T.
Protein change: p.Ala1706Ser; replaces alanine 1706 with serine.
Molecular consequence: missense variant.
Genome position (GRCh38, 1-based): chr16:2,110,051, C>A on the plus strand (G>T on the coding strand, the complement: PKD1 is on the minus strand). VCF-style: chr16-2110051-C-A. GRCh37 (hg19) VCF-style: chr16-2160052-C-A.
Other names: c.5116G>T, p.Ala1706Ser (NM_000296.4); short protein forms A1706S.
Identifiers: ClinVar variation 4082490 (VCV004082490.2).

ClinVar aggregate classification (germline): Uncertain significance (1 of 4 stars; one submission).

Submission:

Genetic Services Laboratory, University of Chicago
Classification: Uncertain significance. Last evaluated: 2023-05-02. Review status: criteria provided, single submitter. Criteria: ACMG Guidelines, 2015. Collection method: clinical testing. Allele origin: germline. Affected: no.
Comment: DNA sequence analysis of the PKD1 gene demonstrated a sequence change, c.5116G>T, in exon 15 that results in an amino acid change, p.Ala1706Ser. This sequence change has been described in the gnomAD database in one individual which corresponds to a population frequency of 0.0004% (dbSNP rs747444230). The p.Ala1706Ser change affects a poorly conserved amino acid residue located in a domain of the PKD1 protein that is known to be functional. The p.Ala1706Ser substitution appears to be benign using several in-silico pathogenicity prediction tools (SIFT, PolyPhen2, Align GVGD, REVEL). This sequence change does not appear to have been previously described in individuals with PKD1-related disorders. Due to insufficient evidences and the lack of functional studies, the clinical significance of the p.Ala1706Ser change remains unknown at this time.